The following is an entry in ClinVar:

NM_005720.4(ARPC1B):c.863del (p.Pro288fs)

Gene: ARPC1B (actin related protein 2/3 complex subunit 1B; plus strand). Cytogenetic location: 7q22.1.
Variant type: Deletion.
Coding change: c.863del on transcript NM_005720.4 (MANE Select); coding-DNA position 863, one base deleted (C; older notation c.863delC).
Protein change: p.Pro288fs; shifts the reading frame from proline 288.
Molecular consequence: frameshift variant.
Genome position (GRCh38, 1-based): chr7:99,392,750, C deleted; the last of 2 consecutive C bases (chr7:99,392,749-99,392,750); deleting either gives the same sequence. VCF-style (leftmost placement, unchanged base first): chr7-99392748-TC-T. GRCh37 (hg19) VCF-style: chr7-98990371-TC-T.
Other names: short protein forms P288fs.
Identifiers: ClinVar variation 2131706 (VCV002131706.4), dbSNP rs2484648574, ClinGen allele CA2580077976.

ClinVar aggregate classification (germline): Pathogenic (1 of 4 stars; one submission).

Submission:

Labcorp Genetics (formerly Invitae), Labcorp
Classification: Pathogenic. Last evaluated: 2022-07-19. Review status: criteria provided, single submitter. Criteria: Invitae Variant Classification Sherloc (09022015). Collection method: clinical testing. Allele origin: germline.
Comment: This sequence change creates a premature translational stop signal (p.Pro288Leufs*9) in the ARPC1B gene. It is expected to result in an absent or disrupted protein product. Loss-of-function variants in ARPC1B are known to be pathogenic (PMID: 27965109, 28368018, 29127144). This variant is not present in population databases (gnomAD no frequency). This variant has not been reported in the literature in individuals affected with ARPC1B-related conditions. For these reasons, this variant has been classified as Pathogenic.

Literature cited by the submitters: PubMed 27965109; PubMed 28368018; PubMed 29127144.